The following is an entry in ClinVar:

ClinVar aggregate classification (germline): Conflicting classifications of pathogenicity. Review status: criteria provided, conflicting classifications (1 of 4 stars). 10 submissions from 6 submitters: Uncertain significance (6); Benign (4). Last evaluated 2025-10-02.

Conditions:
Hypokalemic periodic paralysis, type 2 (HOKPP2). Identifiers: Orphanet 681, MedGen C2750061, MONDO:0013234, OMIM 613345.
Congenital myopathy 22A, classic (CMYO22A). Identifiers: MedGen C5830453, MONDO:0957247, OMIM 620351.
Congenital myopathy 22B, severe fetal (CMYO22B). Identifiers: MedGen C5830501, MONDO:0957265, OMIM 620369.
Congenital myasthenic syndrome 16. Identifiers: Orphanet 590, MedGen C3280112, MONDO:0013620, OMIM 614198.
Paramyotonia congenita of Von Eulenburg. Also called: Paramyotonia Congenita; PARALYSIS PERIODICA PARAMYOTONICA; Eulenburg disease; Myotonia congenita intermittens; Von Eulenburg paramyotonia congenita. Identifiers: Orphanet 684, MedGen C0221055, MONDO:0008195, OMIM 168300. Disease mechanism: loss of function.
Hyperkalemic periodic paralysis. Also called: Familial hyperkalemic periodic paralysis; Gamstorp disease. Identifiers: Orphanet 682, MedGen C0238357, MONDO:0008224, OMIM 170500, HP:0007215.
Potassium-aggravated myotonia. Also called: Myotonia congenita, atypical, acetazolamide-responsive; MYOTONIA CONGENITA, ACETAZOLAMIDE-RESPONSIVE; MYOTONIA CONGENITA, ATYPICAL; SODIUM CHANNEL MUSCLE DISEASE. Identifiers: Orphanet 612, Orphanet 99734, Orphanet 99735, Orphanet 99736, MedGen C2931826, MONDO:0018959, OMIM 608390.
Inborn genetic diseases. Identifiers: MedGen C0950123, MeSH D030342.

Allele frequency attached by ClinVar (database versions not stated): gnomAD 0.00007 and 0.00005; TOPMed 0.00007; ExAC 0.00008; gnomAD exomes 0.00009 and 0.00005.
gnomAD v4.1: 98 of 1,613,982 alleles (0.0061%); highest among the groups gnomAD compares: South Asian, 0.043%; 3 homozygotes.

Submissions (10):

Labcorp Genetics (formerly Invitae), Labcorp
Classification: Uncertain significance for Hyperkalemic periodic paralysis. Last evaluated: 2025-10-02. Review status: criteria provided, single submitter. Criteria: Invitae Variant Classification Sherloc (09022015). Collection method: clinical testing. Allele origin: germline.
Comment: This sequence change replaces proline, which is neutral and non-polar, with serine, which is neutral and polar, at codon 1571 of the SCN4A protein (p.Pro1571Ser). This variant is present in population databases (rs772552529, gnomAD 0.03%). This variant has not been reported in the literature in individuals affected with SCN4A-related conditions. ClinVar contains an entry for this variant (Variation ID: 324514). Invitae Evidence Modeling of protein sequence and biophysical properties (such as structural, functional, and spatial information, amino acid conservation, physicochemical variation, residue mobility, and thermodynamic stability) has been performed for this missense variant. However, the output from this modeling did not meet the statistical confidence thresholds required to predict the impact of this variant on SCN4A protein function. In summary, the available evidence is currently insufficient to determine the role of this variant in disease. Therefore, it has been classified as a Variant of Uncertain Significance.

Revvity Omics, Revvity
Classification: Uncertain significance. Last evaluated: 2025-02-24. Review status: criteria provided, single submitter. Criteria: ACMG Guidelines, 2015. Collection method: clinical testing. Allele origin: germline.

Women's Health and Genetics/Laboratory Corporation of America, LabCorp
Classification: Uncertain significance. Last evaluated: 2024-11-25. Review status: criteria provided, single submitter. Criteria: LabCorp Variant Classification Summary - May 2015. Collection method: clinical testing. Allele origin: germline.
Comment: Variant summary: SCN4A c.4711C>T (p.Pro1571Ser) results in a non-conservative amino acid change in the encoded protein sequence. Four of five in-silico tools predict a damaging effect of the variant on protein function. The variant allele was found at a frequency of 8.8e-05 in 249780 control chromosomes. This frequency is not significantly higher than estimated for a pathogenic variant in SCN4A causing Congenital Myopathy 22A, Classic (8.8e-05 vs 0.0011), allowing no conclusion about variant significance. To our knowledge, no occurrence of c.4711C>T in individuals affected with Congenital Myopathy 22A, Classic and no experimental evidence demonstrating its impact on protein function have been reported. ClinVar contains an entry for this variant (Variation ID: 324514). Based on the evidence outlined above, the variant was classified as uncertain significance.

Fulgent Genetics
Classification: Uncertain significance for Paramyotonia congenita of Von Eulenburg; Hyperkalemic periodic paralysis; Potassium-aggravated myotonia; Hypokalemic periodic paralysis, type 2; Congenital myasthenic syndrome 16; Congenital myopathy 22A, classic; Congenital myopathy 22B, severe fetal. Last evaluated: 2024-01-31. Review status: criteria provided, single submitter. Criteria: ACMG Guidelines, 2015. Collection method: clinical testing. Allele origin: germline.

Ambry Genetics
Classification: Uncertain significance for Inborn genetic diseases. Last evaluated: 2021-09-01. Review status: criteria provided, single submitter. Criteria: Ambry Variant Classification Scheme 2023. Collection method: clinical testing. Allele origin: germline.

Illumina Laboratory Services, Illumina
Classification: Benign for Potassium-aggravated myotonia. Last evaluated: 2018-01-12. Review status: criteria provided, single submitter. Criteria: ICSL Variant Classification Criteria 13 December 2019. Collection method: clinical testing. Allele origin: germline.
Comment: This variant was observed in the ICSL laboratory as part of a predisposition screen in an ostensibly healthy population. It had not been previously curated by ICSL or reported in the Human Gene Mutation Database (HGMD: prior to June 1st, 2018), and was therefore a candidate for classification through an automated scoring system. Utilizing variant allele frequency, disease prevalence and penetrance estimates, and inheritance mode, an automated score was calculated to assess if this variant is too frequent to cause the disease. Based on the score and internal cut-off values, a variant classified as benign is not then subjected to further curation. The score for this variant resulted in a classification of benign for this disease.

Illumina Laboratory Services, Illumina
Classification: Benign for Hyperkalemic periodic paralysis. Last evaluated: 2018-01-12. Review status: criteria provided, single submitter. Criteria: ICSL Variant Classification Criteria 13 December 2019. Collection method: clinical testing. Allele origin: germline.
Comment: the same text as in the submission from Illumina Laboratory Services, Illumina above.

Illumina Laboratory Services, Illumina
Classification: Benign for Paramyotonia congenita of Von Eulenburg. Last evaluated: 2018-01-12. Review status: criteria provided, single submitter. Criteria: ICSL Variant Classification Criteria 13 December 2019. Collection method: clinical testing. Allele origin: germline.
Comment: the same text as in the submission from Illumina Laboratory Services, Illumina above.

Illumina Laboratory Services, Illumina
Classification: Benign for Hypokalemic periodic paralysis, type 2. Last evaluated: 2018-01-12. Review status: criteria provided, single submitter. Criteria: ICSL Variant Classification Criteria 13 December 2019. Collection method: clinical testing. Allele origin: germline.
Comment: the same text as in the submission from Illumina Laboratory Services, Illumina above.

Illumina Laboratory Services, Illumina
Classification: Uncertain significance for Congenital myasthenic syndrome 16. Last evaluated: 2018-01-12. Review status: criteria provided, single submitter. Criteria: ICSL Variant Classification Criteria 13 December 2019. Collection method: clinical testing. Allele origin: germline.

NM_000334.4(SCN4A):c.4711C>T (p.Pro1571Ser)

Genes: GH-LCR (growth hormone locus control region; plus strand), SCN4A (sodium voltage-gated channel alpha subunit 4; minus strand). Cytogenetic location: 17q23.3.
Variant type: single nucleotide variant.
Coding change: c.4711C>T on transcript NM_000334.4 (MANE Select); coding-DNA position 4711, C replaced by T.
Protein change: p.Pro1571Ser; replaces proline 1571 with serine.
Molecular consequence: missense variant.
Genome position (GRCh38, 1-based): chr17:63,941,571, G>A on the plus strand (C>T on the coding strand, the complement: SCN4A is on the minus strand). VCF-style: chr17-63941571-G-A. GRCh37 (hg19) VCF-style: chr17-62018931-G-A.
Other names: short protein forms P1571S.
Identifiers: ClinVar variation 324514 (VCV000324514.22), dbSNP rs772552529, ClinGen allele CA8708910.